The following is an entry in ClinVar:

ClinVar aggregate classification (germline): Likely pathogenic (1 of 4 stars; one submission).

Conditions:
Asphyxiating thoracic dystrophy 3. Also called: SHORT-RIB THORACIC DYSPLASIA 3 WITH OR WITHOUT POLYDACTYLY; SHORT-RIB THORACIC DYSPLASIA 3/6 WITH POLYDACTYLY, DIGENIC; POLYDACTYLY WITH NEONATAL CHONDRODYSTROPHY, TYPE I; Short rib polydactyly syndrome 2B; Saldino-Noonan Syndrome. Identifiers: Orphanet 474, Orphanet 93269, Orphanet 93270, Orphanet 93271, MedGen C0036069, MONDO:0013127, OMIM 613091.

gnomAD v4.1: 1 of 1,600,998 alleles (0.000062%); highest among the groups gnomAD compares: South Asian, 0.0011%; no homozygotes.

Submission:

Myriad Genetics, Inc.
Classification: Likely pathogenic for Asphyxiating thoracic dystrophy 3. Last evaluated: 2025-04-08. Review status: criteria provided, single submitter. Criteria: Myriad Autosomal Dominant, Autosomal Recessive and X-Linked Classification Criteria (2023). Collection method: clinical testing. Allele origin: unknown.
Comment: NM_001377.2(DYNC2H1):c.6140-1G>A is a variant in a canonical splice site classified as likely pathogenic in the context of DYNC2H1-related disorders. c.6140-1G>A has not been observed in cases with relevant disease. Relevant functional assessments of this variant are not available in the literature. c.6140-1G>A has not been observed in referenced population frequency databases. In summary, NM_001377.2(DYNC2H1):c.6140-1G>A is a variant in a canonical splice site in a gene where loss of function is a known mechanism of disease and is predicted to disrupt protein function. Please note: this variant was assessed in the context of healthy population screening.

NM_001377.3(DYNC2H1):c.6140-1G>A

Gene: DYNC2H1 (dynein cytoplasmic 2 heavy chain 1; plus strand). Cytogenetic location: 11q22.3.
Variant type: single nucleotide variant.
Coding change: c.6140-1G>A on transcript NM_001377.3 (MANE Select); the canonical splice acceptor site of the intron before coding-DNA position 6140, G replaced by A.
Molecular consequence: splice acceptor variant.
Genome position (GRCh38, 1-based): chr11:103,179,025, G>A. VCF-style: chr11-103179025-G-A. GRCh37 (hg19) VCF-style: chr11-103049754-G-A.
Other names: c.6140-1G>A (NM_001080463.2).
Identifiers: ClinVar variation 4081641 (VCV004081641.1).